The following is an entry in ClinVar:

NM_033380.3(COL4A5):c.278G>T (p.Gly93Val)

Gene: COL4A5 (collagen type IV alpha 5 chain; plus strand). Cytogenetic location: Xq22.3.
Variant type: single nucleotide variant.
Coding change: c.278G>T on transcript NM_033380.3 (MANE Select); coding-DNA position 278, G replaced by T.
Protein change: p.Gly93Val; replaces glycine 93 with valine.
Molecular consequence: missense variant.
Genome position (GRCh38, 1-based): chrX:108,568,630, G>T. VCF-style: chrX-108568630-G-T. GRCh37 (hg19) VCF-style: chrX-107811860-G-T.
Other names: c.278G>T, p.Gly93Val (NM_000495.5); short protein forms G93V.
Identifiers: ClinVar variation 1481136 (VCV001481136.8), dbSNP rs2147746087, ClinGen allele CA413917682.
Genomic context (GRCh38, chrX:108,568,630, plus strand): 5'-GATATTATTTTATTTTTATGGGTTGTCATTTAGTTTAAGGATTTTATTTCTTCTTATAGG[G>T]TCCTCCTGGACTTCCTGGATTTCCAGGGACACCAGGTCTTCCTGTAAGTAGCATTTCACT-3'
Protein context (NP_203699.1, residues 83-103): PGPPGPKGIR[Gly93Val]PPGLPGFPGT

ClinVar aggregate classification (germline): Likely pathogenic (1 of 4 stars; one submission).

Submission:

Labcorp Genetics (formerly Invitae), Labcorp
Classification: Likely pathogenic. Last evaluated: 2025-06-12. Review status: criteria provided, single submitter. Criteria: Invitae Variant Classification Sherloc (09022015). Collection method: clinical testing. Allele origin: germline.
Comment: This sequence change replaces glycine, which is neutral and non-polar, with valine, which is neutral and non-polar, at codon 93 of the COL4A5 protein (p.Gly93Val). This variant is not present in population databases (gnomAD no frequency). This variant has not been reported in the literature in individuals affected with COL4A5-related conditions. ClinVar contains an entry for this variant (Variation ID: 1481136). Experimental studies and prediction algorithms are not available or were not evaluated, and the functional significance of this variant is currently unknown. This variant disrupts the triple helix domain of COL4A5. Glycine residues within the Gly-Xaa-Yaa repeats of the triple helix domain are required for the structure and stability of fibrillar collagens (PMID: 7695699, 8218237, 19344236). In COL4A5, missense variants at these glycine residues are significantly enriched in individuals with disease (PMID: 23720012, 27627812) compared to the general population (ExAC). In summary, the currently available evidence indicates that the variant is pathogenic, but additional data are needed to prove that conclusively. Therefore, this variant has been classified as Likely Pathogenic.

Literature cited by the submitters: PubMed 7695699; PubMed 8218237; PubMed 19344236; PubMed 23720012; PubMed 27627812.